The following is an entry in ClinVar:

NM_201378.4(PLEC):c.71-3750G>A

Genes: PLEC (plectin; minus strand), LOC130001342 (ATAC-STARR-seq lymphoblastoid silent region 19633; plus strand). Cytogenetic location: 8q24.3.
Variant type: single nucleotide variant.
Coding change: c.71-3750G>A on transcript NM_201378.4 (MANE Plus Clinical); 3750 bases into the intron before coding-DNA position 71, G replaced by A.
Molecular consequence: intron variant. On other transcripts: missense variant (1).
Genome position (GRCh38, 1-based): chr8:143,942,442, C>T on the plus strand (G>A on the coding strand, the complement: PLEC is on the minus strand). VCF-style: chr8-143942442-C-T. GRCh37 (hg19) VCF-style: chr8-145016610-C-T.
Other names: c.74G>A, p.Gly25Asp (NM_201383.3); c.194-3750G>A (NM_001410941.1, NM_000445.5); c.47-3750G>A (NM_201379.3); c.524-3750G>A (NM_201380.4); c.16+2206G>A (NM_201381.3); c.112+1337G>A (NM_201382.4); short protein forms G25D.
Identifiers: ClinVar variation 4981592 (VCV004981592.1).

ClinVar aggregate classification (germline): Uncertain significance (1 of 4 stars; one submission).

Conditions:
PLEC-related disorder. Also called: PLEC-related condition; PLEC-related disorders.

gnomAD v4.1: 49 of 1,603,276 alleles (0.0031%); highest among the groups gnomAD compares: Admixed American, 0.075%; no homozygotes.

Submission:

PreventionGenetics, part of Exact Sciences
Classification: Uncertain significance for PLEC-related condition. Last evaluated: 2026-03-09. Review status: criteria provided, single submitter. Criteria: ACMG Guidelines, 2015. Collection method: clinical testing. Allele origin: germline.
Comment: The PLEC c.74G>A variant is predicted to result in the amino acid substitution p.Gly25Asp. This variant is also described as c.74G>A (p.Gly25Asp) in an alternative transcript (NM_201383). To our knowledge, this variant has not been reported in the literature. This variant is reported in 0.11% of alleles in individuals of Latino descent in gnomAD. Although we suspect that this variant may be benign, at this time, the clinical significance of this variant is uncertain due to the absence of conclusive functional and genetic evidence.